The following is an entry in ClinVar:

ClinVar aggregate classification (germline): Uncertain significance. Review status: criteria provided, multiple submitters, no conflicts (2 of 4 stars). 2 submissions from 2 submitters: Uncertain significance (2). Last evaluated 2025-10-26.

Conditions:
Aicardi-Goutieres syndrome 7 (AGS7). Identifiers: Orphanet 51, MedGen C3888244, MONDO:0014367, OMIM 615846.
Singleton-Merten syndrome 1 (SGMRT1). Also called: Widened medullary cavities of bone, aortic calcification, abnormal dentition, and muscular weakness; Syndrome of widened medullary cavities of the metacarpals and phalanges, aortic calcification and abnormal dentition. Identifiers: Orphanet 85191, MedGen C4225427, MONDO:0024535, OMIM 182250.

gnomAD v4.1: 1 of 1,612,704 alleles (0.000062%); no homozygotes.

Submissions (2):

Labcorp Genetics (formerly Invitae), Labcorp
Classification: Uncertain significance for Aicardi-Goutieres syndrome 7; Singleton-Merten syndrome 1. Last evaluated: 2025-10-26. Review status: criteria provided, single submitter. Criteria: Invitae Variant Classification Sherloc (09022015). Collection method: clinical testing. Allele origin: germline.
Comment: This sequence change replaces alanine, which is neutral and non-polar, with glycine, which is neutral and non-polar, at codon 319 of the IFIH1 protein (p.Ala319Gly). This variant is not present in population databases (gnomAD no frequency). This variant has not been reported in the literature in individuals affected with IFIH1-related conditions. ClinVar contains an entry for this variant (Variation ID: 1039863). Invitae Evidence Modeling of protein sequence and biophysical properties (such as structural, functional, and spatial information, amino acid conservation, physicochemical variation, residue mobility, and thermodynamic stability) has been performed for this missense variant. However, the output from this modeling did not meet the statistical confidence thresholds required to predict the impact of this variant on IFIH1 protein function. In summary, the available evidence is currently insufficient to determine the role of this variant in disease. Therefore, it has been classified as a Variant of Uncertain Significance.

Baylor Genetics
Classification: Uncertain significance for Singleton-Merten syndrome 1. Last evaluated: 2023-06-22. Review status: criteria provided, single submitter. Criteria: ACMG Guidelines, 2015. Collection method: clinical testing. Allele origin: unknown.

NM_022168.4(IFIH1):c.956C>G (p.Ala319Gly)

Gene: IFIH1 (interferon induced with helicase C domain 1; minus strand). Cytogenetic location: 2q24.2.
Variant type: single nucleotide variant.
Coding change: c.956C>G on transcript NM_022168.4 (MANE Select); coding-DNA position 956, C replaced by G.
Protein change: p.Ala319Gly; replaces alanine 319 with glycine.
Molecular consequence: missense variant.
Genome position (GRCh38, 1-based): chr2:162,288,274, G>C on the plus strand (C>G on the coding strand, the complement: IFIH1 is on the minus strand). VCF-style: chr2-162288274-G-C. GRCh37 (hg19) VCF-style: chr2-163144784-G-C.
Other names: short protein forms A319G.
Identifiers: ClinVar variation 1039863 (VCV001039863.10), dbSNP rs1682931873, ClinGen allele CA349004826.